The following is an entry in ClinVar:

NM_000421.5(KRT10):c.264C>T (p.Ser88=)

Genes: KRT10 (keratin 10; minus strand), KRT10-AS1 (KRT10 antisense RNA 1; plus strand). Cytogenetic location: 17q21.2.
Variant type: single nucleotide variant.
Coding change: c.264C>T on transcript NM_000421.5 (MANE Select); coding-DNA position 264, C replaced by T.
Protein change: p.Ser88=; no amino-acid change (serine 88 retained).
Molecular consequence: synonymous variant.
Genome position (GRCh38, 1-based): chr17:40,822,322, G>A on the plus strand (C>T on the coding strand, the complement: KRT10 is on the minus strand). VCF-style: chr17-40822322-G-A. GRCh37 (hg19) VCF-style: chr17-38978574-G-A.
Other names: c.264C>T, p.Ser88= (NM_001379366.1).
Identifiers: ClinVar variation 3350680 (VCV003350680.1).

ClinVar aggregate classification (germline): Likely benign (0 of 4 stars; one submission).

Conditions:
KRT10-related disorder. Also called: KRT10-related condition.

Submission:

PreventionGenetics, part of Exact Sciences
Classification: Likely benign for KRT10-related condition. Last evaluated: 2024-03-15. Review status: no assertion criteria provided. Collection method: clinical testing. Allele origin: germline.
Comment: This variant is classified as likely benign based on ACMG/AMP sequence variant interpretation guidelines (Richards et al. 2015 PMID: 25741868, with internal and published modifications).